The following is an entry in ClinVar:

NM_000371.4(TTR):c.238A>G (p.Thr80Ala)

Gene: TTR (transthyretin; plus strand). Cytogenetic location: 18q12.1.
Variant type: single nucleotide variant.
Coding change: c.238A>G on transcript NM_000371.4 (MANE Select); coding-DNA position 238, A replaced by G.
Protein change: p.Thr80Ala; replaces threonine 80 with alanine.
Molecular consequence: missense variant.
Genome position (GRCh38, 1-based): chr18:31,595,157, A>G. VCF-style: chr18-31595157-A-G. GRCh37 (hg19) VCF-style: chr18-29175120-A-G.
Other names: T60A; p.T80A:ACT>GCT; short protein forms T80A.
Identifiers: ClinVar variation 13421 (VCV000013421.60), dbSNP rs121918070, ClinGen allele CA256798.

ClinVar aggregate classification (germline): Pathogenic/Likely pathogenic. Review status: criteria provided, multiple submitters, no conflicts (2 of 4 stars). 19 submissions from 19 submitters: Pathogenic (16); Likely pathogenic (2). 1 of the submissions does not count toward it. Last evaluated 2026-08-27.

Conditions:
TTR-related disorder. Also called: TTR-related disorders; TTR-related condition.
Cardiovascular phenotype. Identifiers: MedGen CN230736.
Charcot-Marie-Tooth disease. Also called: Charcot-Marie-Tooth Hereditary Neuropathy; Charcot-Marie-Tooth Neuropathy. Identifiers: Orphanet 166, MedGen C0007959, MONDO:0015626.
Cardiomyopathy (CMYO). Also called: Cardiomyopathies. Identifiers: Orphanet 167848, MedGen C0878544, MONDO:0004994, HP:0001638. Inheritance: Various modes of inheritance.
Amyloidosis, hereditary systemic 1 (AMYLD1). Also called: Transthyretin Amyloidosis; Hereditary oculoleptomeningeal amyloid angiopathy; Familial Transthyretin Amyloidosis; AMYLOID CARDIOMYOPATHY; Isolated Cardiac Amyloidosis; Amyloid Cardiomyopathy, Transthyretin-related. Identifiers: Orphanet 85447, Orphanet 85451, MedGen C2751492, MONDO:0971004, OMIM 105210.

Allele frequency attached by ClinVar (database versions not stated): gnomAD exomes below 0.00001 and 0.00001; gnomAD 0.00001; TOPMed 0.00001.
gnomAD v4.1: 27 of 1,614,060 alleles (0.0017%); highest among the groups gnomAD compares: Non-Finnish European, 0.0017%; no homozygotes.

Submissions 1 to 6 of 19:

PreventionGenetics, part of Exact Sciences
Classification: Pathogenic for TTR-related condition. Last evaluated: 2026-08-27. Review status: criteria provided, single submitter. Criteria: ACMG Guidelines, 2015. Collection method: clinical testing. Allele origin: germline.
Comment: The TTR c.238A>G variant is predicted to result in the amino acid substitution p.Thr80Ala. This variant, also referred to as p.Thr60Ala using legacy nomenclature, has been reported to be causative for autosomal dominant hereditary amyloidosis, and typically presents as familial amyloid cardiomyopathy (Wallace et al. 1986. PubMed ID: 3722385; Sekijima et al. 2005. PubMed ID: 15820680; Zeldenrust et al. 2012. PubMed ID: 22620962; Ihse et al. 2013. PubMed ID: 23713495; Table S9, Stava et al. 2022. PubMed ID: 35653365). Crystallized structure analyses and in vitro functional studies showed that this variant results in altered TTR protein conformation and reduced stability (Sekijima et al. 2005. PubMed ID: 15820680; Altland et al. 2007. PubMed ID: 17503405; Cendron et al. 2009. PubMed ID: 19602727). This variant is reported in 0.00088% of alleles in individuals of European (non-Finnish) descent in gnomAD and is interpreted as pathogenic by multiple submitters in ClinVar (ClinVar ID:13421). This variant is interpreted as pathogenic.

CeGaT Center for Human Genetics Tuebingen
Classification: Pathogenic. Last evaluated: 2026-04-01. Review status: criteria provided, single submitter. Criteria: CeGaT Center For Human Genetics Tuebingen Variant Classification Criteria Version 2. Collection method: clinical testing. Allele origin: germline. Affected: yes. Observed: 1 variant allele.
Comment: TTR: PS4, PM1, PM2, PM5, PP1:Moderate, PS3:Moderate

Labcorp Genetics (formerly Invitae), Labcorp
Classification: Pathogenic for Amyloidosis, hereditary systemic 1. Last evaluated: 2026-01-10. Review status: criteria provided, single submitter. Criteria: Invitae Variant Classification Sherloc (09022015). Collection method: clinical testing. Allele origin: germline.
Comment: This sequence change replaces threonine, which is neutral and polar, with alanine, which is neutral and non-polar, at codon 80 of the TTR protein (p.Thr80Ala). This variant is present in population databases (rs121918070, gnomAD 0.0009%). This missense change has been observed in individuals with amyloidosis (PMID: 3722385, 12050338, 21992998, 25997029, 26017327). It has also been observed to segregate with disease in related individuals. This variant is also known as p.Thr60Ala. ClinVar contains an entry for this variant (Variation ID: 13421). Invitae Evidence Modeling of protein sequence and biophysical properties (such as structural, functional, and spatial information, amino acid conservation, physicochemical variation, residue mobility, and thermodynamic stability) has been performed for this missense variant. However, the output from this modeling did not meet the statistical confidence thresholds required to predict the impact of this variant on TTR protein function. Experimental studies have shown that this missense change affects TTR function (PMID: 15820680). For these reasons, this variant has been classified as Pathogenic.

ARUP Laboratories, Molecular Genetics and Genomics, ARUP Laboratories
Classification: Pathogenic. Last evaluated: 2025-07-15. Review status: criteria provided, single submitter. Criteria: ARUP Molecular Germline Variant Investigation Process 2024. Collection method: clinical testing. Allele origin: germline.
Comment: The TTR c.238A>G; p.Thr80Ala variant (rs121918070), also known as p.Thr60Ala, is reported in the literature in multiple individuals and families affected with hereditary amyloidosis, associated mainly with amyloidotic cardiomyopathy at a late age of onset and a poor prognosis (Altland 2007, Dohrn 2013, Fontana 2015, Ihse 2013, Lachmann 2002, Pilebro 2016, Swiecicki 2015, Waits 1995, Wallace 1986). This variant is the most common pathogenic TTR variant in the United Kingdom, and has high prevalence in northwest Ireland (Reilly 1995, Sattianayagam 2012). This variant is reported as pathogenic by multiple laboratories in ClinVar (Variation ID: 13421), and is only observed on one allele in the Genome Aggregation Database, indicating it is not a common polymorphism. The threonine at codon 80 is moderately conserved, and computational analyses are uncertain whether this variant is neutral or deleterious (REVEL: 0.675). However, functional analyses of the variant protein show a reduction in stability compared to the wild-type protein (Cendron 2009, Sekijima 2005). Based on available information, the p.Thr80Ala variant is considered to be pathogenic. References: Altland K et al. Genetic microheterogeneity of human transthyretin detected by IEF. Electrophoresis. 2007 Jun;28(12):2053-64. PMID: 17503405. Cendron L et al. Amyloidogenic potential of transthyretin variants: insights from structural and computational analyses. J Biol Chem. 2009 Sep 18;284(38):25832-41. PMID: 19602727. Dohrn MF et al. Diagnostic hallmarks and pitfalls in late-onset progressive transthyretin-related amyloid-neuropathy. J Neurol. 2013 Dec;260(12):3093-108. PMID: 24101130. Fontana M et al. Differential Myocyte Responses in Patients with Cardiac Transthyretin Amyloidosis and Light-Chain Amyloidosis: A Cardiac MR Imaging Study. Radiology. 2015 Nov;277(2):388-97. PMID: 25997029. Ihse E et al. Amyloid fibrils containing fragmented ATTR may be the standard fibril composition in ATTR amyloidosis. Amyloid. 2013 Sep;20(3):142-50. PMID: 23713495. Lachmann HJ et al. Misdiagnosis of hereditary amyloidosis as AL (primary) amyloidosis. N Engl J Med. 2002 Jun 6;346(23):1786-91. PMID: 12050338. Pilebro B et al. (99m)Tc-DPD uptake reflects amyloid fibril composition in hereditary transthyretin amyloidosis. Ups J Med Sci. 2016;121(1):17-24. PMID: 26849806. Reilly MM et al. Familial amyloid polyneuropathy (TTR ala 60) in north west Ireland: a clinical, genetic, and epidemiological study. J Neurol Neurosurg Psychiatry. 1995 Jul;59(1):45-9. PMID: 7608709. Sattianayagam PT et al. Cardiac phenotype and clinical outcome of familial amyloid polyneuropathy associated with transthyretin alanine 60 variant. Eur Heart J. 2012 May;33(9):1120-7. PMID: 21992998. Sekijima Y et al. The biological and chemical basis for tissue-selective amyloid disease. Cell. 2005 Apr 8;121(1):73-85. PMID: 15820680. Swiecicki PL et al. Hereditary ATTR amyloidosis: a single-institution experience with 266 patients. Amyloid. 2015;22(2):123-31. PMID: 26017327. Waits RP et al. Low plasma concentrations of retinol-binding protein in individuals with mutations affecting position 84 of the transthyretin molecule. Clin Chem. 1995 Sep;41(9):1288-91. PMID: 7656439. Wallace MR et al. Biochemical and molecular genetic characterization of a new variant prealbumin associated with hereditary amyloidosis. J Clin Invest. 1986 Jul;78(1):6-12. PMID: 3722385.

Ambry Genetics
Classification: Pathogenic for Cardiovascular phenotype. Last evaluated: 2025-04-28. Review status: criteria provided, single submitter. Criteria: Ambry Variant Classification Scheme 2023. Collection method: clinical testing. Allele origin: germline.
Comment: The p.T80A pathogenic mutation (also known as c.238A>G and T60A), located in coding exon 3 of the TTR gene, results from an A to G substitution at nucleotide position 238. The threonine at codon 80 is replaced by alanine, an amino acid with similar properties. This pathogenic mutation, also known as p.T60A, has been detected in multiple individuals with familial transthyretin amyloidosis and is associated with cardiac symptoms (Wallace MR et al. J. Clin. Invest., 1986 Jul;78:6-12; Zeldenrust SR. Amyloid, 2012 Jun;19 Suppl 1:22-4; Ihse E et al. Amyloid, 2013 Sep;20:142-50; Swiecicki PL et al. Amyloid, 2015 May;22:123-31). In one study of a cohort of 60 individuals with this mutation, 42% presented primarily with cardiac symptoms; autonomic and peripheral nerve dysfunction were observed in 42% and 23% of individuals, respectively (Sattianayagam PT et al. Eur. Heart J., 2012 May;33:1120-7). In a functional study, the authors demonstrated that TTR monomers with this mutation are in an unfolded state 80% of the time in 2.5M urea (Altland K et al. Electrophoresis, 2007 Jun;28:2053-64). In addition, analysis of the crystallized structure showed that this mutation changes the conformation, suggesting that this mutation is destabilizing to the TTR protein structure (Cendron L et al. J. Biol. Chem., 2009 Sep;284:25832-41). This amino acid position is highly conserved in available vertebrate species. In addition, this alteration is predicted to be deleterious by in silico analysis. This variant is considered to be rare based on population cohorts in the Genome Aggregation Database (gnomAD). Based on the supporting evidence, this alteration is interpreted as a disease-causing mutation.

Revvity Omics, Revvity
Classification: Likely pathogenic. Last evaluated: 2025-02-11. Review status: criteria provided, single submitter. Criteria: ACMG Guidelines, 2015. Collection method: clinical testing. Allele origin: germline.